The following is an entry in ClinVar:

ClinVar aggregate classification (germline): Conflicting classifications of pathogenicity. Review status: criteria provided, conflicting classifications (1 of 4 stars). 9 submissions from 9 submitters: Uncertain significance (1); Benign (4); Likely benign (1). 3 of the submissions do not count toward it. Last evaluated 2026-01-28.

Conditions:
Dilated cardiomyopathy 1DD (CMD1DD). Identifiers: Orphanet 154, MedGen C2750995, MONDO:0013168, OMIM 613172.

Allele frequency attached by ClinVar (database versions not stated): gnomAD exomes 0.00032 and 0.00068; ExAC 0.00092; 1000 Genomes Project 0.00240; 1000 Genomes Project 30x 0.00265; gnomAD 0.00363 and 0.00392; ESP Exome Variant Server 0.00438; TOPMed 0.00439.
gnomAD v4.1: 1,033 of 1,551,732 alleles (0.067%); highest among the groups gnomAD compares: African/African-American, 1.3%; 7 homozygotes.

Submissions (9):

Labcorp Genetics (formerly Invitae), Labcorp
Classification: Benign for Dilated cardiomyopathy 1DD. Last evaluated: 2026-01-28. Review status: criteria provided, single submitter. Criteria: Invitae Variant Classification Sherloc (09022015). Collection method: clinical testing. Allele origin: germline.

Blueprint Genetics
Classification: Likely benign. Last evaluated: 2024-10-14. Review status: criteria provided, single submitter. Criteria: ACMG Guidelines, 2015. Collection method: clinical testing. Allele origin: germline.

Women's Health and Genetics/Laboratory Corporation of America, LabCorp
Classification: Benign. Last evaluated: 2020-09-08. Review status: criteria provided, single submitter. Criteria: LabCorp Variant Classification Summary - May 2015. Collection method: clinical testing. Allele origin: germline.
Comment: Variant summary: RBM20 c.1275+13A>G alters a non-conserved nucleotide located close to a canonical splice site and therefore could affect mRNA splicing, leading to a significantly altered protein sequence. 4/4 computational tools predict no significant impact on normal splicing. However, these predictions have yet to be confirmed by functional studies. The variant allele was found at a frequency of 0.00068 in 154008 control chromosomes, predominantly at a frequency of 0.011 within the African or African-American subpopulation in the gnomAD database. The observed variant frequency within African or African-American control individuals in the gnomAD database is approximately 235 fold of the estimated maximal expected allele frequency for a pathogenic variant in RBM20 causing Dilated Cardiomyopathy phenotype (4.7e-05), strongly suggesting that the variant is a benign polymorphism found primarily in populations of African or African-American origin. To our knowledge, no occurrence of c.1275+13A>G in individuals affected with Dilated Cardiomyopathy and no experimental evidence demonstrating its impact on protein function have been reported. One ClinVar submitter (evaluation after 2014) cite the variant as uncertain significance. Based on the evidence outlined above, the variant was classified as benign.

Illumina Laboratory Services, Illumina
Classification: Uncertain significance for Dilated cardiomyopathy 1DD. Last evaluated: 2018-01-13. Review status: criteria provided, single submitter. Criteria: ICSL Variant Classification Criteria 13 December 2019. Collection method: clinical testing. Allele origin: germline.

GeneDx
Classification: Benign. Last evaluated: 2014-09-26. Review status: criteria provided, single submitter. Criteria: GeneDx Variant Classification (06012015). Collection method: clinical testing. Allele origin: germline. Affected: yes.
Comment: This variant is considered likely benign or benign based on one or more of the following criteria: it is a conservative change, it occurs at a poorly conserved position in the protein, it is predicted to be benign by multiple in silico algorithms, and/or has population frequency not consistent with disease.

Laboratory for Molecular Medicine, Mass General Brigham Personalized Medicine
Classification: Benign. Last evaluated: 2011-12-23. Review status: criteria provided, single submitter. Criteria: LMM Criteria. Collection method: clinical testing. Allele origin: germline. Observed: 3 variant alleles.

Clinical Genetics DNA and cytogenetics Diagnostics Lab, Erasmus MC, Erasmus Medical Center
Classification: Benign. Review status: no assertion criteria provided. Collection method: clinical testing. Allele origin: germline. Affected: yes. Study: VKGL Data-share Consensus. Not counted in ClinVar's aggregate classification.

Clinical Genetics, Academic Medical Center
Classification: Benign. Review status: no assertion criteria provided. Collection method: clinical testing. Allele origin: germline. Affected: yes. Study: VKGL Data-share Consensus. Not counted in ClinVar's aggregate classification.

Diagnostic Laboratory, Department of Genetics, University Medical Center Groningen
Classification: Likely benign for Dilated cardiomyopathy 1DD. Review status: no assertion criteria provided. Collection method: clinical testing. Allele origin: germline. Affected: yes. Study: VKGL Data-share Consensus. Not counted in ClinVar's aggregate classification.

NM_001134363.3(RBM20):c.1275+13A>G

Gene: RBM20 (RNA binding motif protein 20; plus strand). Cytogenetic location: 10q25.2.
Variant type: single nucleotide variant.
Coding change: c.1275+13A>G on transcript NM_001134363.3 (MANE Select); 13 bases into the intron after coding-DNA position 1275, A replaced by G.
Molecular consequence: intron variant.
Genome position (GRCh38, 1-based): chr10:110,781,897, A>G. VCF-style: chr10-110781897-A-G. GRCh37 (hg19) VCF-style: chr10-112541655-A-G.
Identifiers: ClinVar variation 43968 (VCV000043968.21), dbSNP rs373230569, ClinGen allele CA133260.